The following is an entry in ClinVar:

ClinVar aggregate classification (germline): Uncertain significance. Review status: criteria provided, multiple submitters, no conflicts (2 of 4 stars). 2 submissions from 2 submitters: Uncertain significance (2). Last evaluated 2025-10-16.

Conditions:
Colorectal cancer, hereditary nonpolyposis, type 7. Identifiers: Orphanet 144, MedGen C1858380, MONDO:0013725, OMIM 614385.

Allele frequency attached by ClinVar (database versions not stated): gnomAD exomes below 0.00001.
gnomAD v4.1: 6 of 1,614,118 alleles (0.00037%); highest among the groups gnomAD compares: South Asian, 0.0011%; no homozygotes.

Submissions (2):

Ambry Genetics
Classification: Uncertain significance. Last evaluated: 2025-10-16. Review status: criteria provided, single submitter. Criteria: Ambry Variant Classification Scheme 2023. Collection method: clinical testing. Allele origin: germline.
Comment: The p.R14C variant (also known as c.40C>T), located in coding exon 1 of the MLH3 gene, results from a C to T substitution at nucleotide position 40. The arginine at codon 14 is replaced by cysteine, an amino acid with highly dissimilar properties. This amino acid position is conserved. In addition, this alteration is predicted to be deleterious by in silico analysis. Since supporting evidence is limited at this time, the clinical significance of this alteration remains unclear.

Labcorp Genetics (formerly Invitae), Labcorp
Classification: Uncertain significance for Colorectal cancer, hereditary nonpolyposis, type 7. Last evaluated: 2024-06-30. Review status: criteria provided, single submitter. Criteria: Invitae Variant Classification Sherloc (09022015). Collection method: clinical testing. Allele origin: germline.
Comment: This sequence change replaces arginine, which is basic and polar, with cysteine, which is neutral and slightly polar, at codon 14 of the MLH3 protein (p.Arg14Cys). This variant is not present in population databases (gnomAD no frequency). This variant has not been reported in the literature in individuals affected with MLH3-related conditions. ClinVar contains an entry for this variant (Variation ID: 1737831). An algorithm developed to predict the effect of missense changes on protein structure and function (PolyPhen-2) suggests that this variant is likely to be disruptive. In summary, the available evidence is currently insufficient to determine the role of this variant in disease. Therefore, it has been classified as a Variant of Uncertain Significance.

NM_001040108.2(MLH3):c.40C>T (p.Arg14Cys)

Gene: MLH3 (mutL homolog 3; minus strand). Cytogenetic location: 14q24.3.
Variant type: single nucleotide variant.
Coding change: c.40C>T on transcript NM_001040108.2 (MANE Select); coding-DNA position 40, C replaced by T.
Protein change: p.Arg14Cys; replaces arginine 14 with cysteine.
Molecular consequence: missense variant.
Genome position (GRCh38, 1-based): chr14:75,049,616, G>A on the plus strand (C>T on the coding strand, the complement: MLH3 is on the minus strand). VCF-style: chr14-75049616-G-A. GRCh37 (hg19) VCF-style: chr14-75516319-G-A.
Other names: c.40C>T, p.Arg14Cys (NM_014381.3); short protein forms R14C.
Identifiers: ClinVar variation 1737831 (VCV001737831.6), dbSNP rs1892532093, ClinGen allele CA390451877.